The following is an entry in ClinVar:

NM_016169.4(SUFU):c.50C>T (p.Ala17Val)

Genes: SUFU (SUFU negative regulator of hedgehog signaling; plus strand), LOC130004614 (ATAC-STARR-seq lymphoblastoid silent region 2764; plus strand). Cytogenetic location: 10q24.32.
Variant type: single nucleotide variant.
Coding change: c.50C>T on transcript NM_016169.4 (MANE Select); coding-DNA position 50, C replaced by T.
Protein change: p.Ala17Val; replaces alanine 17 with valine.
Molecular consequence: missense variant.
Genome position (GRCh38, 1-based): chr10:102,504,202, C>T. VCF-style: chr10-102504202-C-T. GRCh37 (hg19) VCF-style: chr10-104263959-C-T.
Other names: c.50C>T, p.Ala17Val (NM_001178133.2); short protein forms A17V.
Identifiers: ClinVar variation 413907 (VCV000413907.49), dbSNP rs12780580, ClinGen allele CA5667584.

ClinVar aggregate classification (germline): Conflicting classifications of pathogenicity. Review status: criteria provided, conflicting classifications (1 of 4 stars). 9 submissions from 9 submitters: Uncertain significance (5); Benign (1); Likely benign (3). Last evaluated 2026-02-02.

Conditions:
Hereditary cancer-predisposing syndrome. Also called: Tumor predisposition; Hereditary neoplastic syndrome; Hereditary Cancer Syndrome; Neoplastic Syndromes, Hereditary. Identifiers: Orphanet 140162, MedGen C0027672, MeSH D009386, MONDO:0015356.
Medulloblastoma (MDB). Also called: MEDULLOBLASTOMA PREDISPOSITION SYNDROME; Medulloblastoma, somatic. Identifiers: Orphanet 616, MedGen C0025149, MeSH D008527, MONDO:0007959, OMIM 155255, HP:0002885.
Gorlin syndrome. Also called: Nevoid Basal Cell Carcinoma Syndrome; Basal cell nevus syndrome. Identifiers: Orphanet 377, MedGen C0004779, MONDO:0007187.

Allele frequency attached by ClinVar (database versions not stated): 1000 Genomes Project 0.00020; gnomAD 0.00023 and 0.00025; gnomAD exomes 0.00023; TOPMed 0.00028; 1000 Genomes Project 30x 0.00031; ExAC 0.00059.
gnomAD v4.1: 485 of 1,590,980 alleles (0.03%); highest among the groups gnomAD compares: Admixed American, 0.051%; 1 homozygote.

Submissions (9):

Labcorp Genetics (formerly Invitae), Labcorp
Classification: Likely benign for Gorlin syndrome; Medulloblastoma. Last evaluated: 2026-02-02. Review status: criteria provided, single submitter. Criteria: Invitae Variant Classification Sherloc (09022015). Collection method: clinical testing. Allele origin: germline.

GeneDx
Classification: Uncertain significance. Last evaluated: 2025-03-14. Review status: criteria provided, single submitter. Criteria: GeneDx Variant Classification Process June 2021. Collection method: clinical testing. Allele origin: germline. Affected: yes.
Comment: In silico analysis indicates that this missense variant does not alter protein structure/function; Not observed in any cases, but was observed in unaffected controls from a melanoma study (PMID: 29641532); This variant is associated with the following publications: (PMID: 29641532)

Blueprint Genetics
Classification: Likely benign. Last evaluated: 2024-11-05. Review status: criteria provided, single submitter. Criteria: ACMG Guidelines, 2015. Collection method: clinical testing. Allele origin: germline.

CeGaT Center for Human Genetics Tuebingen
Classification: Uncertain significance. Last evaluated: 2024-11-01. Review status: criteria provided, single submitter. Criteria: CeGaT Center For Human Genetics Tuebingen Variant Classification Criteria Version 2. Collection method: clinical testing. Allele origin: germline. Affected: yes. Observed: 1 variant allele.

Quest Diagnostics Nichols Institute San Juan Capistrano
Classification: Likely benign. Last evaluated: 2023-02-07. Review status: criteria provided, single submitter. Criteria: Quest Diagnostics criteria. Collection method: clinical testing. Allele origin: unknown.

St. Jude Molecular Pathology, St. Jude Children's Research Hospital
Classification: Uncertain significance for Basal cell nevus syndrome 1. Last evaluated: 2022-09-08. Review status: criteria provided, single submitter. Criteria: St. Jude Assertion Criteria 2020. Collection method: clinical testing. Allele origin: germline.
Comment: The SUFU c.50CT (p.Ala17Val) missense change has a maximum subpopulation frequency of 0.053% in gnomAD v2.1.1. The in silico tool REVEL predicts a benign effect on protein function, but to our knowledge this prediction has not been confirmed by functional studies. To our knowledge, this variant has not been reported in individuals with nevoid basal cell carcinoma syndrome. In summary, the evidence currently available is insufficient to determine the clinical significance of this variant. It has therefore been classified as of uncertain significance.

Ambry Genetics
Classification: Benign for Hereditary cancer-predisposing syndrome. Last evaluated: 2022-07-05. Review status: criteria provided, single submitter. Criteria: Ambry Variant Classification Scheme 2023. Collection method: clinical testing. Allele origin: germline.

Sema4
Classification: Uncertain significance for Hereditary cancer-predisposing syndrome. Last evaluated: 2022-02-11. Review status: criteria provided, single submitter. Criteria: Sema4 Curation Guidelines. Collection method: curation. Allele origin: germline.
Comment: To the best of our knowledge, the SUFU c.50C>T (p.A17V) variant has not been reported in individuals with SUFU-related disease. It was observed in 17/32044 chromosomes, no homozygotes, of the Latino subpopulation in the large and broad cohorts of the Genome Aggregation Database (PMID: 32461654). The variant has been reported in ClinVar (Variation ID:413907). Functional studies have not been performed and in silico tool predictions of the variant's effect on protein function are inconclusive. The evidence is insufficient to meet ACMG/AMP criteria for classifying the variant as benign or pathogenic. Thus, the clinical significance of this variant is currently uncertain.

Illumina Laboratory Services, Illumina
Classification: Uncertain significance for Medulloblastoma. Last evaluated: 2018-01-12. Review status: criteria provided, single submitter. Criteria: ICSL Variant Classification Criteria 13 December 2019. Collection method: clinical testing. Allele origin: germline.

Literature cited by the submitters: PubMed 29641532 (cited by Quest Diagnostics Nichols Institute San Juan Capistrano and Ambry Genetics).